The following is an entry in ClinVar:

ClinVar aggregate classification (germline): Uncertain significance (1 of 4 stars; one submission).

Submission:

GeneDx
Classification: Uncertain significance. Last evaluated: 2024-03-25. Review status: criteria provided, single submitter. Criteria: GeneDx Variant Classification Process June 2021. Collection method: clinical testing. Allele origin: germline. Affected: yes.
Comment: Not observed at significant frequency in large population cohorts (gnomAD); In silico analysis supports that this missense variant has a deleterious effect on protein structure/function; Has not been previously published as pathogenic or benign to our knowledge

NM_015015.3(KDM4B):c.899A>C (p.Tyr300Ser)

Gene: KDM4B (lysine demethylase 4B; plus strand). Cytogenetic location: 19p13.3.
Variant type: single nucleotide variant.
Coding change: c.899A>C on transcript NM_015015.3 (MANE Select); coding-DNA position 899, A replaced by C.
Protein change: p.Tyr300Ser; replaces tyrosine 300 with serine.
Molecular consequence: missense variant.
Genome position (GRCh38, 1-based): chr19:5,082,485, A>C. VCF-style: chr19-5082485-A-C. GRCh37 (hg19) VCF-style: chr19-5082496-A-C.
Other names: c.899A>C, p.Tyr300Ser (NM_001370093.1, NM_001370094.1, NM_001411148.1); short protein forms Y300S.
Identifiers: ClinVar variation 3371434 (VCV003371434.1).